The following is an entry in ClinVar:

ClinVar aggregate classification (germline): Uncertain significance. Review status: criteria provided, multiple submitters, no conflicts (2 of 4 stars). 6 submissions from 5 submitters: Uncertain significance (6). Last evaluated 2024-03-12.

Conditions:
Weill-Marchesani syndrome 3 (WMS3). Also called: Weill-Marchesani syndrome 3, recessive; LTBP2-Related Weill-Marchesani Syndrome. Identifiers: Orphanet 3449, MedGen C3553785, MONDO:0013899, OMIM 614819.
Microspherophakia and/or megalocornea, with ectopia lentis and with or without secondary glaucoma (MSPKA). Identifiers: Orphanet 238763, MedGen C3538951, MONDO:0009633, OMIM 251750.
Glaucoma 3, primary congenital, D. Identifiers: Orphanet 98976, MedGen C2751316, MONDO:0013122, OMIM 613086.
Alveolar capillary dysplasia without misalignment of pulmonary veins. Identifiers: MedGen CN305618, MONDO:0600014.
Weill-Marchesani syndrome. Also called: WM Syndrome; Mesodermal dysmorphodystrophy congenital. Identifiers: Orphanet 3449, MedGen C0265313, MONDO:0018096.
Inborn genetic diseases. Identifiers: MedGen C0950123, MeSH D030342.

Allele frequency attached by ClinVar (database versions not stated): TOPMed 0.00029; ESP Exome Variant Server 0.00031; gnomAD exomes 0.00035 and 0.00039; ExAC 0.00039; gnomAD 0.00050 and 0.00053.
gnomAD v4.1: 581 of 1,613,764 alleles (0.036%); highest among the groups gnomAD compares: Non-Finnish European, 0.041%; 2 homozygotes.

Submissions (6):

GeneDx
Classification: Uncertain significance. Last evaluated: 2024-03-12. Review status: criteria provided, single submitter. Criteria: GeneDx Variant Classification Process June 2021. Collection method: clinical testing. Allele origin: germline. Affected: yes.
Comment: Has not been previously published as pathogenic or benign to our knowledge; In silico analysis supports that this missense variant does not alter protein structure/function

Labcorp Genetics (formerly Invitae), Labcorp
Classification: Uncertain significance. Last evaluated: 2022-10-31. Review status: criteria provided, single submitter. Criteria: Invitae Variant Classification Sherloc (09022015). Collection method: clinical testing. Allele origin: germline.
Comment: This sequence change replaces threonine, which is neutral and polar, with isoleucine, which is neutral and non-polar, at codon 1016 of the LTBP2 protein (p.Thr1016Ile). This variant is present in population databases (rs149991486, gnomAD 0.1%). This variant has not been reported in the literature in individuals affected with LTBP2-related conditions. ClinVar contains an entry for this variant (Variation ID: 314288). Algorithms developed to predict the effect of missense changes on protein structure and function (SIFT, PolyPhen-2, Align-GVGD) all suggest that this variant is likely to be disruptive. In summary, the available evidence is currently insufficient to determine the role of this variant in disease. Therefore, it has been classified as a Variant of Uncertain Significance.

Ambry Genetics
Classification: Uncertain significance for Inborn genetic diseases. Last evaluated: 2021-10-22. Review status: criteria provided, single submitter. Criteria: Ambry Variant Classification Scheme 2023. Collection method: clinical testing. Allele origin: germline.

CeGaT Center for Human Genetics Tuebingen
Classification: Uncertain significance. Last evaluated: 2021-03-01. Review status: criteria provided, single submitter. Criteria: CeGaT Center For Human Genetics Tuebingen Variant Classification Criteria Version 2. Collection method: clinical testing. Allele origin: germline. Affected: yes. Observed: 2 variant alleles.

Illumina Laboratory Services, Illumina
Classification: Uncertain significance for Glaucoma 3, primary congenital, D. Last evaluated: 2018-01-12. Review status: criteria provided, single submitter. Criteria: ICSL Variant Classification Criteria 13 December 2019. Collection method: clinical testing. Allele origin: germline.

Illumina Laboratory Services, Illumina
Classification: Uncertain significance for Weill-Marchesani syndrome. Last evaluated: 2018-01-12. Review status: criteria provided, single submitter. Criteria: ICSL Variant Classification Criteria 13 December 2019. Collection method: clinical testing. Allele origin: germline.

NM_000428.3(LTBP2):c.3047C>T (p.Thr1016Ile)

Gene: LTBP2 (latent transforming growth factor beta binding protein 2; minus strand). Cytogenetic location: 14q24.3.
Variant type: single nucleotide variant.
Coding change: c.3047C>T on transcript NM_000428.3 (MANE Select); coding-DNA position 3047, C replaced by T.
Protein change: p.Thr1016Ile; replaces threonine 1016 with isoleucine.
Molecular consequence: missense variant.
Genome position (GRCh38, 1-based): chr14:74,510,195, G>A on the plus strand (C>T on the coding strand, the complement: LTBP2 is on the minus strand). VCF-style: chr14-74510195-G-A. GRCh37 (hg19) VCF-style: chr14-74976898-G-A.
Other names: short protein forms T1016I.
Identifiers: ClinVar variation 314288 (VCV000314288.48), dbSNP rs149991486, ClinGen allele CA7269304.